The following is an entry in ClinVar:

NM_000111.3(SLC26A3):c.1953T>C (p.Leu651=)

Gene: SLC26A3 (solute carrier family 26 member 3; minus strand). Cytogenetic location: 7q22.3.
Variant type: single nucleotide variant.
Coding change: c.1953T>C on transcript NM_000111.3 (MANE Select); coding-DNA position 1953, T replaced by C.
Protein change: p.Leu651=; no amino-acid change (leucine 651 retained).
Molecular consequence: synonymous variant.
Genome position (GRCh38, 1-based): chr7:107,773,974, A>G on the plus strand (T>C on the coding strand, the complement: SLC26A3 is on the minus strand). VCF-style: chr7-107773974-A-G. GRCh37 (hg19) VCF-style: chr7-107414419-A-G.
Other names: p.Leu651=.
Identifiers: ClinVar variation 358538 (VCV000358538.24), dbSNP rs41669, ClinGen allele CA4433650.

ClinVar aggregate classification (germline): Benign/Likely benign. Review status: criteria provided, multiple submitters, no conflicts (2 of 4 stars). 9 submissions from 9 submitters: Benign (6); Likely benign (1). 2 of the submissions do not count toward it. Last evaluated 2026-02-04.

Conditions:
Congenital secretory diarrhea, chloride type (DIAR1). Also called: DIARRHEA 1, SECRETORY CHLORIDE, CONGENITAL; CHLORIDORRHEA, CONGENITAL; CHLORIDE DIARRHEA, CONGENITAL, FINNISH TYPE. Identifiers: Orphanet 53689, MedGen C0267662, MONDO:0008964, OMIM 214700.

Allele frequency attached by ClinVar (database versions not stated): gnomAD exomes 0.98961 and 0.99386; ESP Exome Variant Server 0.99162; ExAC 0.99357; gnomAD 0.99393 and 0.99409; TOPMed 0.99404; 1000 Genomes Project 0.99800; 1000 Genomes Project 30x 0.99844.

Submissions (9):

Labcorp Genetics (formerly Invitae), Labcorp
Classification: Benign. Last evaluated: 2026-02-04. Review status: criteria provided, single submitter. Criteria: Invitae Variant Classification Sherloc (09022015). Collection method: clinical testing. Allele origin: germline.

Mayo Clinic Laboratories, Mayo Clinic
Classification: Likely benign. Last evaluated: 2025-11-10. Review status: criteria provided, single submitter. Criteria: ACMG Guidelines, 2015. Collection method: clinical testing. Allele origin: germline. Observed: 93 variant alleles.
Comment: BS1, BP4, BP7

Blueprint Genetics
Classification: Benign. Last evaluated: 2024-11-27. Review status: criteria provided, single submitter. Criteria: ACMG Guidelines, 2015. Collection method: clinical testing. Allele origin: germline.

Genome-Nilou Lab
Classification: Benign for Congenital secretory diarrhea, chloride type. Last evaluated: 2021-07-15. Review status: criteria provided, single submitter. Criteria: ACMG Guidelines, 2015. Collection method: clinical testing. Allele origin: germline. Affected: no.

GeneDx
Classification: Benign. Last evaluated: 2018-11-12. Review status: criteria provided, single submitter. Criteria: GeneDx Variant Classification Process June 2021. Collection method: clinical testing. Allele origin: germline. Affected: yes.

Illumina Laboratory Services, Illumina
Classification: Benign for Congenital secretory diarrhea, chloride type. Last evaluated: 2018-01-13. Review status: criteria provided, single submitter. Criteria: ICSL Variant Classification Criteria 13 December 2019. Collection method: clinical testing. Allele origin: germline.
Comment: This variant was observed in the ICSL laboratory as part of a predisposition screen in an ostensibly healthy population. It had not been previously curated by ICSL or reported in the Human Gene Mutation Database (HGMD: prior to June 1st, 2018), and was therefore a candidate for classification through an automated scoring system. Utilizing variant allele frequency, disease prevalence and penetrance estimates, and inheritance mode, an automated score was calculated to assess if this variant is too frequent to cause the disease. Based on the score and internal cut-off values, a variant classified as benign is not then subjected to further curation. The score for this variant resulted in a classification of benign for this disease.

Breakthrough Genomics
Classification: Benign. Review status: criteria provided, single submitter. Criteria: ACMG Guidelines, 2015. Collection method: not provided. Allele origin: germline. Inheritance: Autosomal recessive inheritance. Affected: yes.

Diagnostic Laboratory, Department of Genetics, University Medical Center Groningen
Classification: Benign. Review status: no assertion criteria provided. Collection method: clinical testing. Allele origin: germline. Affected: yes. Study: VKGL Data-share Consensus. Not counted in ClinVar's aggregate classification.

Joint Genome Diagnostic Labs from Nijmegen and Maastricht, Radboudumc and MUMC+
Classification: Benign. Review status: no assertion criteria provided. Collection method: clinical testing. Allele origin: germline. Affected: yes. Study: VKGL Data-share Consensus. Not counted in ClinVar's aggregate classification.